The following is an entry in ClinVar:

ClinVar aggregate classification (germline): Uncertain significance. Review status: criteria provided, multiple submitters, no conflicts (2 of 4 stars). 2 submissions from 2 submitters: Uncertain significance (2). Last evaluated 2022-12-14.

Allele frequency attached by ClinVar (database versions not stated): gnomAD 0.00002; TOPMed 0.00002.
gnomAD v4.1: 22 of 1,613,928 alleles (0.0014%); highest among the groups gnomAD compares: Non-Finnish European, 0.0018%; no homozygotes.

Submissions (2):

Labcorp Genetics (formerly Invitae), Labcorp
Classification: Uncertain significance. Last evaluated: 2022-12-14. Review status: criteria provided, single submitter. Criteria: Invitae Variant Classification Sherloc (09022015). Collection method: clinical testing. Allele origin: germline.
Comment: This sequence change replaces alanine, which is neutral and non-polar, with threonine, which is neutral and polar, at codon 619 of the DHX32 protein (p.Ala619Thr). In summary, the available evidence is currently insufficient to determine the role of this variant in disease. Therefore, it has been classified as a Variant of Uncertain Significance. Algorithms developed to predict the effect of missense changes on protein structure and function are either unavailable or do not agree on the potential impact of this missense change (SIFT: "Deleterious"; PolyPhen-2: "Probably Damaging"; Align-GVGD: "Class C0"). This variant has not been reported in the literature in individuals affected with DHX32-related conditions. This variant is present in population databases (rs772175482, gnomAD 0.006%).

Ambry Genetics
Classification: Uncertain significance. Last evaluated: 2022-09-29. Review status: criteria provided, single submitter. Criteria: Ambry Variant Classification Scheme 2023. Collection method: clinical testing. Allele origin: germline.

NM_018180.3(DHX32):c.1855G>A (p.Ala619Thr)

Genes: BCCIP (BRCA2 and CDKN1A interacting protein; plus strand), DHX32 (DEAH-box helicase 32 (putative); minus strand). Cytogenetic location: 10q26.2.
Variant type: single nucleotide variant.
Coding change: c.1855G>A on transcript NM_018180.3 (MANE Select); coding-DNA position 1855, G replaced by A.
Protein change: p.Ala619Thr; replaces alanine 619 with threonine.
Molecular consequence: missense variant. On other transcripts: intron variant (2).
Genome position (GRCh38, 1-based): chr10:125,839,027, C>T on the plus strand (G>A on the coding strand, the complement: DHX32 is on the minus strand). VCF-style: chr10-125839027-C-T. GRCh37 (hg19) VCF-style: chr10-127527596-C-T.
Other names: c.775-2228C>T (NM_078469.3, NM_016567.4); short protein forms A619T.
Identifiers: ClinVar variation 2209815 (VCV002209815.5), dbSNP rs772175482, ClinGen allele CA5739040.
Genomic context (GRCh38, chr10:125,839,027, plus strand): 5'-GAGCCTATGCTGAGGTGACCCCACCCCTTCTCACCTGCATAAAGTAACCGGACAGAAGAG[C>T]TTTCTTTATGTTTAGAGTGTTTTCCTTGGAGCCAAAAGCAGGTTCTGCATAGGGAAGCTC-3'
Protein context (NP_060650.2, residues 609-629): SKENTLNIKK[Ala619Thr]LLSGYFMQIA